The following is an entry in ClinVar:

ClinVar aggregate classification (germline): Uncertain significance (1 of 4 stars; one submission).

Conditions:
Aarskog syndrome (AAS). Also called: Aarskog Scott syndrome; Aarskog disease; Aarskog-Scott syndrome, X-linked; FGD1-Related Faciogenital Dysplasia (Aarskog-Scott Syndrome); FGDY. Identifiers: Orphanet 915, MedGen C0175701, MONDO:0010589, OMIM 305400.

Submission:

Dasa
Classification: Uncertain significance for Aarskog-Scott syndrome, X-linked. Last evaluated: 2024-11-12. Review status: criteria provided, single submitter. Criteria: DASA Assertion Criteria. Collection method: clinical testing. Allele origin: germline.
Comment: NM_004463.3(FGD1):c.1355G>T (p.Arg452Leu) is a missense variant that results in the substitution of arginine with leucine. This variant is absent from population databases. The currently available literature and clinical evidence are not sufficient to establish a definitive association between this variant and the reported condition. Therefore, this variant is classified as a variant of uncertain significance.

NM_004463.3(FGD1):c.1355G>T (p.Arg452Leu)

Gene: FGD1 (FYVE, RhoGEF and PH domain containing 1; minus strand). Cytogenetic location: Xp11.22.
Variant type: single nucleotide variant.
Coding change: c.1355G>T on transcript NM_004463.3 (MANE Select); coding-DNA position 1355, G replaced by T.
Protein change: p.Arg452Leu; replaces arginine 452 with leucine.
Molecular consequence: missense variant.
Genome position (GRCh38, 1-based): chrX:54,465,838, C>A on the plus strand (G>T on the coding strand, the complement: FGD1 is on the minus strand). VCF-style: chrX-54465838-C-A. GRCh37 (hg19) VCF-style: chrX-54492271-C-A.
Other names: short protein forms R452L.
Identifiers: ClinVar variation 4882290 (VCV004882290.2).